The following is an entry in ClinVar:

ClinVar aggregate classification (germline): Uncertain significance. Review status: criteria provided, multiple submitters, no conflicts (2 of 4 stars). 2 submissions from 2 submitters: Uncertain significance (2). Last evaluated 2025-08-23.

Conditions:
Inborn genetic diseases. Identifiers: MedGen C0950123, MeSH D030342.

Allele frequency attached by ClinVar (database versions not stated): TOPMed below 0.00001; ExAC 0.00001; gnomAD exomes 0.00001.
gnomAD v4.1: 7 of 1,604,960 alleles (0.00044%); highest among the groups gnomAD compares: Non-Finnish European, 0.0006%; no homozygotes.

Submissions (2):

Ambry Genetics
Classification: Uncertain significance for Inborn genetic diseases. Last evaluated: 2025-08-23. Review status: criteria provided, single submitter. Criteria: Ambry Variant Classification Scheme 2023. Collection method: clinical testing. Allele origin: germline.

Labcorp Genetics (formerly Invitae), Labcorp
Classification: Uncertain significance. Last evaluated: 2024-05-28. Review status: criteria provided, single submitter. Criteria: Invitae Variant Classification Sherloc (09022015). Collection method: clinical testing. Allele origin: germline.
Comment: This sequence change replaces cysteine, which is neutral and slightly polar, with arginine, which is basic and polar, at codon 1733 of the FREM2 protein (p.Cys1733Arg). This variant is present in population databases (rs761289910, gnomAD 0.002%). This variant has not been reported in the literature in individuals affected with FREM2-related conditions. ClinVar contains an entry for this variant (Variation ID: 2222063). Advanced modeling of protein sequence and biophysical properties (such as structural, functional, and spatial information, amino acid conservation, physicochemical variation, residue mobility, and thermodynamic stability) performed at Invitae indicates that this missense variant is not expected to disrupt FREM2 protein function with a negative predictive value of 80%. In summary, the available evidence is currently insufficient to determine the role of this variant in disease. Therefore, it has been classified as a Variant of Uncertain Significance.

NM_207361.6(FREM2):c.5197T>C (p.Cys1733Arg)

Gene: FREM2 (FRAS1 related extracellular matrix 2; plus strand). Cytogenetic location: 13q13.3.
Variant type: single nucleotide variant.
Coding change: c.5197T>C on transcript NM_207361.6 (MANE Select); coding-DNA position 5197, T replaced by C.
Protein change: p.Cys1733Arg; replaces cysteine 1733 with arginine.
Molecular consequence: missense variant.
Genome position (GRCh38, 1-based): chr13:38,697,721, T>C. VCF-style: chr13-38697721-T-C. GRCh37 (hg19) VCF-style: chr13-39271858-T-C.
Other names: short protein forms C1733R.
Identifiers: ClinVar variation 2222063 (VCV002222063.5), dbSNP rs761289910, ClinGen allele CA6955177.
Genomic context (GRCh38, chr13:38,697,721, plus strand): 5'-TGGTAATTAATCATCTTGTTTTTTGGTTATTTTCTAGCTGACATTGATGACATGAAAATA[T>C]GCTATGTCTTAAGAGAAGGGGCTAATGCCACAAGTGATATGTTCTATTTTGCAGTTGAAG-3'
Protein context (NP_997244.4, residues 1723-1743): TQADIDDMKI[Cys1733Arg]YVLREGANAT